The following is an entry in ClinVar:

NM_001042492.3(NF1):c.7069G>A (p.Glu2357Lys)

Gene: NF1 (neurofibromin 1; plus strand). Cytogenetic location: 17q11.2.
Variant type: single nucleotide variant.
Coding change: c.7069G>A on transcript NM_001042492.3 (MANE Select); coding-DNA position 7069, G replaced by A.
Protein change: p.Glu2357Lys; replaces glutamic acid 2357 with lysine.
Molecular consequence: missense variant.
Genome position (GRCh38, 1-based): chr17:31,343,015, G>A. VCF-style: chr17-31343015-G-A. GRCh37 (hg19) VCF-style: chr17-29670033-G-A.
Other names: c.7006G>A, p.Glu2336Lys (NM_000267.4); short protein forms E2336K, E2357K.
Identifiers: ClinVar variation 68362 (VCV000068362.5), dbSNP rs199474784, ClinGen allele CA219635.

ClinVar aggregate classification (germline): Uncertain significance. Review status: criteria provided, single submitter (1 of 4 stars). 2 submissions from 2 submitters: Uncertain significance (1). 1 of the submissions does not count toward it. Last evaluated 2025-10-10.

Conditions:
Neurofibromatosis, type 1 (NF1). Also called: Peripheral type neurofibromatosis; VON RECKLINGHAUSEN DISEASE; NEUROFIBROMATOSIS, TYPE I, SOMATIC; Neurofibromatosis, type I. Identifiers: Orphanet 636, MedGen C0027831, MONDO:0018975, OMIM 162200. Disease mechanism: loss of function.

Allele frequency attached by ClinVar (database versions not stated): ExAC 0.00001; gnomAD exomes below 0.00001.
gnomAD v4.1: 1 of 1,614,078 alleles (0.000062%); highest among the groups gnomAD compares: East Asian, 0.0022%; no homozygotes.

Submissions (2):

Labcorp Genetics (formerly Invitae), Labcorp
Classification: Uncertain significance for Neurofibromatosis, type 1. Last evaluated: 2025-10-10. Review status: criteria provided, single submitter. Criteria: Invitae Variant Classification Sherloc (09022015). Collection method: clinical testing. Allele origin: germline.
Comment: This sequence change replaces glutamic acid, which is acidic and polar, with lysine, which is basic and polar, at codon 2336 of the NF1 protein (p.Glu2336Lys). This variant is present in population databases (rs199474784, gnomAD 0.006%). This missense change has been observed in individual(s) with neurofibromatosis type 1 (PMID: 11735023). ClinVar contains an entry for this variant (Variation ID: 68362). Invitae Evidence Modeling of protein sequence and biophysical properties (such as structural, functional, and spatial information, amino acid conservation, physicochemical variation, residue mobility, and thermodynamic stability) has been performed for this missense variant. However, the output from this modeling did not meet the statistical confidence thresholds required to predict the impact of this variant on NF1 protein function. In summary, the available evidence is currently insufficient to determine the role of this variant in disease. Therefore, it has been classified as a Variant of Uncertain Significance.

UniProtKB/Swiss-Prot
No classification provided. Review status: no classification provided. Collection method: not provided. Allele origin: not provided. Not counted in ClinVar's aggregate classification.

Literature cited by the submitters: PubMed 11735023 (cited by Labcorp Genetics (formerly Invitae), Labcorp).